The following is an entry in ClinVar:

NM_032564.5(DGAT2):c.100C>T (p.Arg34Cys)

Genes: DGAT2 (diacylglycerol O-acyltransferase 2; plus strand), LOC130006439 (ATAC-STARR-seq lymphoblastoid silent region 3775; plus strand). Cytogenetic location: 11q13.5.
Variant type: single nucleotide variant.
Coding change: c.100C>T on transcript NM_032564.5 (MANE Select); coding-DNA position 100, C replaced by T.
Protein change: p.Arg34Cys; replaces arginine 34 with cysteine.
Molecular consequence: missense variant.
Genome position (GRCh38, 1-based): chr11:75,769,091, C>T. VCF-style: chr11-75769091-C-T. GRCh37 (hg19) VCF-style: chr11-75480136-C-T.
Other names: p.Arg34Cys; c.100C>T, p.Arg34Cys (NM_001253891.2); short protein forms R34C.
Identifiers: ClinVar variation 4683653 (VCV004683653.1).
Genomic context (GRCh38, chr11:75,769,091, plus strand): 5'-GGCGAGCGTCAGGCCGAGGCTGACCGGAGCCAGCGCTCTCACGGAGGACCTGCGCTGTCG[C>T]GCGAGGGGTCTGGGAGATGGGGTGAGTGCCACGGCGCAGGGGTTATGGACCTGCGAGAAG-3'
Protein context (NP_115953.2, residues 24-44): QRSHGGPALS[Arg34Cys]EGSGRWGTGS

ClinVar aggregate classification (germline): Likely benign (1 of 4 stars; one submission).

gnomAD v4.1: 60 of 1,570,476 alleles (0.0038%); highest among the groups gnomAD compares: Admixed American, 0.11%; no homozygotes.

Submission:

Mayo Clinic Laboratories, Mayo Clinic
Classification: Likely benign. Last evaluated: 2025-10-22. Review status: criteria provided, single submitter. Criteria: ACMG Guidelines, 2015. Collection method: clinical testing. Allele origin: germline. Observed: 1 variant allele.
Comment: BP2, BP4_strong